The following is an entry in ClinVar:

NM_199420.4(POLQ):c.2738A>G (p.His913Arg)

Gene: POLQ (DNA polymerase theta; minus strand). Cytogenetic location: 3q13.33.
Variant type: single nucleotide variant.
Coding change: c.2738A>G on transcript NM_199420.4 (MANE Select); coding-DNA position 2738, A replaced by G.
Protein change: p.His913Arg; replaces histidine 913 with arginine.
Molecular consequence: missense variant.
Genome position (GRCh38, 1-based): chr3:121,490,193, T>C on the plus strand (A>G on the coding strand, the complement: POLQ is on the minus strand). VCF-style: chr3-121490193-T-C. GRCh37 (hg19) VCF-style: chr3-121209040-T-C.
Other names: short protein forms H913R.
Identifiers: ClinVar variation 1795366 (VCV001795366.2), dbSNP rs573433501, ClinGen allele CA2563191.

ClinVar aggregate classification (germline): Uncertain significance (1 of 4 stars; one submission).

Allele frequency attached by ClinVar (database versions not stated): ExAC 0.00001; gnomAD 0.00001; 1000 Genomes Project 0.00020; 1000 Genomes Project 30x 0.00031.
gnomAD v4.1: 1 of 1,613,714 alleles (0.000062%); highest among the groups gnomAD compares: Admixed American, 0.0017%; no homozygotes.

Submission:

Ambry Genetics
Classification: Uncertain significance. Last evaluated: 2023-12-14. Review status: criteria provided, single submitter. Criteria: Ambry Variant Classification Scheme 2023. Collection method: clinical testing. Allele origin: germline.
Comment: The p.H913R variant (also known as c.2738A>G), located in coding exon 16 of the POLQ gene, results from an A to G substitution at nucleotide position 2738. The histidine at codon 913 is replaced by arginine, an amino acid with highly similar properties. This amino acid position is conserved. In addition, this alteration is predicted to be tolerated by in silico analysis. Since supporting evidence is limited at this time, the clinical significance of this alteration remains unclear.